The following is an entry in ClinVar:

ClinVar aggregate classification (germline): Uncertain significance (1 of 4 stars; one submission).

Submission:

Labcorp Genetics (formerly Invitae), Labcorp
Classification: Uncertain significance. Last evaluated: 2020-01-25. Review status: criteria provided, single submitter. Criteria: Invitae Variant Classification Sherloc (09022015). Collection method: clinical testing. Allele origin: germline.
Comment: This variant is an in-frame deletion of the genomic region encompassing exon(s) 2-4 of the SZT2 gene. It preserves the integrity of the reading frame. This variant has not been reported in the literature in individuals with SZT2-related conditions. Experimental studies and prediction algorithms are not available or were not evaluated, and the functional significance of this variant is currently unknown. In summary, the available evidence is currently insufficient to determine the role of this variant in disease. Therefore, it has been classified as a Variant of Uncertain Significance.

NC_000001.10:g.(?_43868828)_(43870241_?)del

Gene: SZT2 (SZT2 subunit of KICSTOR complex; plus strand). Cytogenetic location: 1p34.2.
Variant type: Deletion.
Identifiers: ClinVar variation 1000226 (VCV001000226.4).